The following is an entry in ClinVar:

ClinVar aggregate classification (germline): Uncertain significance. Review status: criteria provided, multiple submitters, no conflicts (2 of 4 stars). 4 submissions from 3 submitters: Uncertain significance (4). Last evaluated 2022-03-07.

Conditions:
Cardiovascular phenotype. Identifiers: MedGen CN230736.
Familial hypobetalipoproteinemia 1. Also called: APOB-Related Familial Hypobetalipoproteinemia; Hypobetalipoproteinemia, normotriglyceridemic; Acanthocytosis with hypobetalipoproteinemia. Identifiers: MedGen C4551990, MONDO:0014252, OMIM 615558.
Hypercholesterolemia, autosomal dominant, type B (FHCL2). Also called: Hyperlipoproteinemia Type IIb; APOLIPOPROTEIN B-100, FAMILIAL DEFECTIVE; APOLIPOPROTEIN B-100, FAMILIAL LIGAND-DEFECTIVE; HYPERCHOLESTEROLEMIA, FAMILIAL, DUE TO LIGAND-DEFECTIVE APOLIPOPROTEIN B; APOB-Related Familial Hypercholesterolemia, Autosomal Dominant; Familial Hypercholesterolemia Type B. Identifiers: MedGen C1704417, MONDO:0007751, OMIM 144010.

Allele frequency attached by ClinVar (database versions not stated): gnomAD exomes 0.00001.
gnomAD v4.1: 8 of 1,613,148 alleles (0.0005%); highest among the groups gnomAD compares: Non-Finnish European, 0.00068%; no homozygotes.

Submissions (4):

Ambry Genetics
Classification: Uncertain significance for Cardiovascular phenotype. Last evaluated: 2022-03-07. Review status: criteria provided, single submitter. Criteria: Ambry Variant Classification Scheme 2023. Collection method: clinical testing. Allele origin: germline.
Comment: The p.H828Y variant (also known as c.2482C>T), located in coding exon 17 of the APOB gene, results from a C to T substitution at nucleotide position 2482. The histidine at codon 828 is replaced by tyrosine, an amino acid with similar properties. This amino acid position is conserved. In addition, this alteration is predicted to be tolerated by in silico analysis. Since supporting evidence is limited at this time, the clinical significance of this alteration remains unclear.

Fulgent Genetics
Classification: Uncertain significance for Hypercholesterolemia, autosomal dominant, type B; Familial hypobetalipoproteinemia 1. Last evaluated: 2021-09-29. Review status: criteria provided, single submitter. Criteria: ACMG Guidelines, 2015. Collection method: clinical testing. Allele origin: unknown.

Illumina Laboratory Services, Illumina
Classification: Uncertain significance for Hypercholesterolemia, autosomal dominant, type B. Last evaluated: 2017-04-28. Review status: criteria provided, single submitter. Criteria: ICSL Variant Classification Criteria 13 December 2019. Collection method: clinical testing. Allele origin: germline.

Illumina Laboratory Services, Illumina
Classification: Uncertain significance for Familial hypobetalipoproteinemia 1. Last evaluated: 2017-04-28. Review status: criteria provided, single submitter. Criteria: ICSL Variant Classification Criteria 13 December 2019. Collection method: clinical testing. Allele origin: germline.

NM_000384.3(APOB):c.2482C>T (p.His828Tyr)

Gene: APOB (apolipoprotein B; minus strand). Cytogenetic location: 2p24.1.
Variant type: single nucleotide variant.
Coding change: c.2482C>T on transcript NM_000384.3 (MANE Select); coding-DNA position 2482, C replaced by T.
Protein change: p.His828Tyr; replaces histidine 828 with tyrosine.
Molecular consequence: missense variant.
Genome position (GRCh38, 1-based): chr2:21,023,647, G>A on the plus strand (C>T on the coding strand, the complement: APOB is on the minus strand). VCF-style: chr2-21023647-G-A. GRCh37 (hg19) VCF-style: chr2-21246519-G-A.
Other names: short protein forms H828Y.
Identifiers: ClinVar variation 897644 (VCV000897644.7), dbSNP rs1663667473, ClinGen allele CA346011187.